The following is an entry in ClinVar:

ClinVar aggregate classification (germline): Pathogenic. Review status: criteria provided, single submitter (1 of 4 stars). 2 submissions from 2 submitters: Pathogenic (1). 1 of the submissions does not count toward it. Last evaluated 2019-06-03.

Conditions:
Ehlers-Danlos syndrome, type 4 (EDSVASC). Also called: Ehlers-Danlos syndrome vascular type; Ehlers Danlos syndrome, ecchymotic type; Ehlers Danlos syndrome, arterial type; Ehlers Danlos syndrome, Sack-Barabas type; Ehlers-Danlos Syndrome Type IV. Identifiers: Orphanet 286, MedGen C0268338, MONDO:0017314, OMIM 130050.

Submissions (2):

Labcorp Genetics (formerly Invitae), Labcorp
Classification: Pathogenic for Ehlers-Danlos syndrome, type 4. Last evaluated: 2019-06-03. Review status: criteria provided, single submitter. Criteria: Invitae Variant Classification Sherloc (09022015). Collection method: clinical testing. Allele origin: germline.
Comment: Algorithms developed to predict the effect of missense changes on protein structure and function are either unavailable or do not agree on the potential impact of this missense change (SIFT: "Deleterious"; PolyPhen-2: "Probably Damaging"; Align-GVGD: "Class C0"). Glycine residues within the Gly-Xaa-Yaa repeats of the triple helix domain are required for the structure and stability of fibrillar collagens (PMID: 7695699, 8218237, 19344236). In COL3A1, variants that affect these glycine residues are significantly enriched in individuals with disease (PMID: 24922459, 25758994) compared to the general population (ExAC). For these reasons, this variant has been classified as Pathogenic. This variant has been observed in individuals with clinical features of Ehlers Danlos syndrome, type IV, being de novo in one of them (PMID: 24922459, Invitae). ClinVar contains an entry for this variant (Variation ID: 101411). This sequence change replaces glycine with arginine at codon 963 of the COL3A1 protein (p.Gly963Arg). The glycine residue is moderately conserved and there is a moderate physicochemical difference between glycine and arginine. This variant is not present in population databases (ExAC no frequency).

Collagen Diagnostic Laboratory, University of Washington
Classification: Pathogenic for Ehlers-Danlos syndrome, type 4. Review status: no assertion criteria provided. Collection method: clinical testing. Allele origin: germline. Affected: yes. Not counted in ClinVar's aggregate classification.

Literature cited by the submitters: PubMed 7695699 (cited by Labcorp Genetics (formerly Invitae), Labcorp); PubMed 8218237 (cited by Labcorp Genetics (formerly Invitae), Labcorp); PubMed 19344236 (cited by Labcorp Genetics (formerly Invitae), Labcorp); PubMed 24922459 (cited by Labcorp Genetics (formerly Invitae), Labcorp); PubMed 25758994 (cited by Labcorp Genetics (formerly Invitae), Labcorp).

NM_000090.4(COL3A1):c.2887G>C (p.Gly963Arg)

Gene: COL3A1 (collagen type III alpha 1 chain; plus strand). Cytogenetic location: 2q32.2.
Variant type: single nucleotide variant.
Coding change: c.2887G>C on transcript NM_000090.4 (MANE Select); coding-DNA position 2887, G replaced by C.
Protein change: p.Gly963Arg; replaces glycine 963 with arginine.
Molecular consequence: missense variant.
Genome position (GRCh38, 1-based): chr2:189,004,320, G>C. VCF-style: chr2-189004320-G-C. GRCh37 (hg19) VCF-style: chr2-189869046-G-C.
Identifiers: ClinVar variation 101411 (VCV000101411.12), dbSNP rs587779640, ClinGen allele CA005799.